The following is an entry in ClinVar:

ClinVar aggregate classification (germline): Uncertain significance (1 of 4 stars; one submission).

Conditions:
RP1L1-related disorder. Also called: RP1L1-related condition.

Submission:

PreventionGenetics, part of Exact Sciences
Classification: Uncertain significance for RP1L1-related condition. Last evaluated: 2026-01-24. Review status: criteria provided, single submitter. Criteria: ACMG Guidelines, 2015. Collection method: clinical testing. Allele origin: germline.
Comment: The RP1L1 c.1375A>C variant is predicted to result in the amino acid substitution p.Thr459Pro. To our knowledge, this variant has not been reported in the literature. This variant is absent in a large population database (gnomAD), indicating this variant is rare. At this time, the clinical significance of this variant is uncertain due to the absence of conclusive functional and genetic evidence.

NM_178857.6(RP1L1):c.1375A>C (p.Thr459Pro)

Gene: RP1L1 (RP1 like 1). Cytogenetic location: 8p23.1.
Variant type: single nucleotide variant.
Coding change: c.1375A>C on transcript NM_178857.6 (MANE Select); coding-DNA position 1375, A replaced by C.
Protein change: p.Thr459Pro; replaces threonine 459 with proline.
Molecular consequence: missense variant.
Genome position (GRCh38, 1-based): chr8:10,612,723, T>G on the plus strand (A>C on the coding strand, the complement: RP1L1 is on the minus strand). VCF-style: chr8-10612723-T-G. GRCh37 (hg19) VCF-style: chr8-10470233-T-G.
Other names: short protein forms T459P.
Identifiers: ClinVar variation 4977883 (VCV004977883.1).